The following is an entry in ClinVar:

NM_002691.4(POLD1):c.122T>C (p.Met41Thr)

Gene: POLD1 (DNA polymerase delta 1, catalytic subunit; plus strand). Cytogenetic location: 19q13.33.
Variant type: single nucleotide variant.
Coding change: c.122T>C on transcript NM_002691.4 (MANE Select); coding-DNA position 122, T replaced by C.
Protein change: p.Met41Thr; replaces methionine 41 with threonine.
Molecular consequence: missense variant. On other transcripts: non-coding transcript variant (1).
Genome position (GRCh38, 1-based): chr19:50,398,973, T>C. VCF-style: chr19-50398973-T-C. GRCh37 (hg19) VCF-style: chr19-50902230-T-C.
Other names: c.122T>C, p.Met41Thr (NM_001256849.1, NM_001308632.1); short protein forms M41T.
Identifiers: ClinVar variation 1755272 (VCV001755272.8), dbSNP rs2513933082, ClinGen allele CA406970185.

ClinVar aggregate classification (germline): Conflicting classifications of pathogenicity. Review status: criteria provided, conflicting classifications (1 of 4 stars). 2 submissions from 2 submitters: Uncertain significance (1); Likely benign (1). Last evaluated 2025-10-01.

Conditions:
Hereditary cancer-predisposing syndrome. Also called: Neoplastic Syndromes, Hereditary; Tumor predisposition; Hereditary neoplastic syndrome; Hereditary Cancer Syndrome. Identifiers: Orphanet 140162, MedGen C0027672, MeSH D009386, MONDO:0015356.
POLD1-related polyposis and colorectal cancer syndrome (CRCS10). Also called: COLORECTAL CANCER, SUSCEPTIBILITY TO, ON CHROMOSOME 19q; Colorectal cancer 10; Colorectal cancer, susceptibility to, 10. Identifiers: Orphanet 220460, MedGen C2675481, MONDO:0012953, OMIM 612591.

Allele frequency attached by ClinVar (database versions not stated): gnomAD exomes 0.00001.
gnomAD v4.1: 10 of 1,573,364 alleles (0.00064%); highest among the groups gnomAD compares: Non-Finnish European, 0.00086%; no homozygotes.

Submissions (2):

Labcorp Genetics (formerly Invitae), Labcorp
Classification: Uncertain significance for POLD1-related polyposis and colorectal cancer syndrome. Last evaluated: 2025-10-01. Review status: criteria provided, single submitter. Criteria: Invitae Variant Classification Sherloc (09022015). Collection method: clinical testing. Allele origin: germline.
Comment: This sequence change replaces methionine, which is neutral and non-polar, with threonine, which is neutral and polar, at codon 41 of the POLD1 protein (p.Met41Thr). This variant is not present in population databases (gnomAD no frequency). This variant has not been reported in the literature in individuals affected with POLD1-related conditions. ClinVar contains an entry for this variant (Variation ID: 1755272). An algorithm developed to predict the effect of missense changes on protein structure and function (PolyPhen-2) suggests that this variant is likely to be tolerated. In summary, the available evidence is currently insufficient to determine the role of this variant in disease. Therefore, it has been classified as a Variant of Uncertain Significance.

Ambry Genetics
Classification: Likely benign for Hereditary cancer-predisposing syndrome. Last evaluated: 2025-02-21. Review status: criteria provided, single submitter. Criteria: Ambry Variant Classification Scheme 2023. Collection method: clinical testing. Allele origin: germline.